The following is an entry in ClinVar:

NM_000287.4(PEX6):c.1299G>T (p.Leu433Phe)

Gene: PEX6 (peroxisomal biogenesis factor 6; minus strand). Cytogenetic location: 6p21.1.
Variant type: single nucleotide variant.
Coding change: c.1299G>T on transcript NM_000287.4 (MANE Select); coding-DNA position 1299, G replaced by T.
Protein change: p.Leu433Phe; replaces leucine 433 with phenylalanine.
Molecular consequence: missense variant. On other transcripts: non-coding transcript variant (1).
Genome position (GRCh38, 1-based): chr6:42,969,736, C>A on the plus strand (G>T on the coding strand, the complement: PEX6 is on the minus strand). VCF-style: chr6-42969736-C-A. GRCh37 (hg19) VCF-style: chr6-42937474-C-A.
Other names: c.1035G>T, p.Leu345Phe (NM_001316313.2); short protein forms L345F, L433F.
Identifiers: ClinVar variation 2077936 (VCV002077936.4), dbSNP rs769930450, ClinGen allele CA364155735.

ClinVar aggregate classification (germline): Uncertain significance (1 of 4 stars; one submission).

Conditions:
Peroxisome biogenesis disorder. Identifiers: Orphanet 79189, MedGen C1832200, MONDO:0019234. Disease mechanism: loss of function.

gnomAD v4.1: 1 of 1,613,722 alleles (0.000062%); highest among the groups gnomAD compares: Non-Finnish European, 0.000085%; no homozygotes.

Submission:

Labcorp Genetics (formerly Invitae), Labcorp
Classification: Uncertain significance for Peroxisome biogenesis disorder. Last evaluated: 2022-01-08. Review status: criteria provided, single submitter. Criteria: Invitae Variant Classification Sherloc (09022015). Collection method: clinical testing. Allele origin: germline.
Comment: This sequence change replaces leucine, which is neutral and non-polar, with phenylalanine, which is neutral and non-polar, at codon 433 of the PEX6 protein (p.Leu433Phe). This variant is not present in population databases (gnomAD no frequency). In summary, the available evidence is currently insufficient to determine the role of this variant in disease. Therefore, it has been classified as a Variant of Uncertain Significance. Algorithms developed to predict the effect of missense changes on protein structure and function (SIFT, PolyPhen-2, Align-GVGD) all suggest that this variant is likely to be tolerated. This variant has not been reported in the literature in individuals affected with PEX6-related conditions.